The following is an entry in ClinVar:

ClinVar aggregate classification (germline): Uncertain significance (1 of 4 stars; one submission).

Conditions:
Hereditary cancer-predisposing syndrome. Also called: Hereditary neoplastic syndrome; Neoplastic Syndromes, Hereditary; Tumor predisposition; Hereditary Cancer Syndrome. Identifiers: Orphanet 140162, MedGen C0027672, MeSH D009386, MONDO:0015356.

Submission:

Ambry Genetics
Classification: Uncertain significance for Hereditary cancer-predisposing syndrome. Last evaluated: 2025-08-27. Review status: criteria provided, single submitter. Criteria: Ambry Variant Classification Scheme 2023. Collection method: clinical testing. Allele origin: germline.
Comment: The p.V75L variant (also known as c.223G>T), located in coding exon 3 of the MUTYH gene, results from a G to T substitution at nucleotide position 223. The valine at codon 75 is replaced by leucine, an amino acid with highly similar properties. This amino acid position is conserved. In addition, this alteration is predicted to be tolerated by in silico analysis. Based on the available evidence, the clinical significance of this variant remains unclear.

NM_001048174.2(MUTYH):c.139G>T (p.Val47Leu)

Gene: MUTYH (mutY DNA glycosylase; minus strand). Cytogenetic location: 1p34.1.
Variant type: single nucleotide variant.
Coding change: c.139G>T on transcript NM_001048174.2 (MANE Select); coding-DNA position 139, G replaced by T.
Protein change: p.Val47Leu; replaces valine 47 with leucine.
Molecular consequence: missense variant. On other transcripts: intron variant (5), 5 prime UTR variant (1), non-coding transcript variant (5).
Genome position (GRCh38, 1-based): chr1:45,333,538, C>A on the plus strand (G>T on the coding strand, the complement: MUTYH is on the minus strand). VCF-style: chr1-45333538-C-A. GRCh37 (hg19) VCF-style: chr1-45799210-C-A.
Other names: c.-97-41G>T (NM_001293196.2, NM_001407091.1, NM_001293192.2); c.139G>T, p.Val47Leu (NM_001048171.2, NM_001048173.2, NM_001293195.2 and 6 more transcripts); c.142G>T, p.Val48Leu (NM_001048172.2, NM_001407071.1, NM_001407078.1 and 2 more transcripts); c.223G>T, p.Val75Leu (NM_001128425.2); c.184G>T, p.Val62Leu (NM_001293190.2); c.172G>T, p.Val58Leu (NM_001293191.2, NM_001407077.1); c.-133G>T (NM_001350650.2); c.214G>T, p.Val72Leu (NM_001407069.1, NM_012222.3); and 4 more; short protein forms V47L, V48L, V54L, V62L, V72L, V75L, V19L, V58L.
Identifiers: ClinVar variation 4113522 (VCV004113522.1).